The following is an entry in ClinVar:

NM_002272.4(KRT4):c.467A>G (p.Gln156Arg)

Gene: KRT4 (keratin 4; minus strand). Cytogenetic location: 12q13.13.
Variant type: single nucleotide variant.
Coding change: c.467A>G on transcript NM_002272.4 (MANE Select); coding-DNA position 467, A replaced by G.
Protein change: p.Gln156Arg; replaces glutamine 156 with arginine.
Molecular consequence: missense variant.
Genome position (GRCh38, 1-based): chr12:52,811,973, T>C on the plus strand (A>G on the coding strand, the complement: KRT4 is on the minus strand). VCF-style: chr12-52811973-T-C. GRCh37 (hg19) VCF-style: chr12-53205757-T-C.
Other names: short protein forms Q156R.
Identifiers: ClinVar variation 309695 (VCV000309695.11), dbSNP rs7959052, ClinGen allele CA6588711.
Genomic context (GRCh38, chr12:52,811,973, plus strand): 5'-GTCTGCTGCTGGAGCAGGTTCCATTTGGTCTCCAGGACCTTATTCTGTTGCTCTAAGAAC[T>C]GCACCTGTGTTGATAAAGGCACCAGCCAAGTGATGAGGGCCTGAAGTGTGGCAGGAGGGC-3'
Protein context (NP_002263.3, residues 146-166): NKFASFIDKV[Gln156Arg]FLEQQNKVLE

ClinVar aggregate classification (germline): Benign. Review status: criteria provided, multiple submitters, no conflicts (2 of 4 stars). 4 submissions from 4 submitters: Benign (3). 1 of the submissions does not count toward it. Last evaluated 2021-05-04.

Conditions:
White sponge nevus 1. Also called: LEUKOKERATOSIS, HEREDITARY MUCOSAL. Identifiers: MedGen C4011926, MONDO:0008676, OMIM 193900.
KRT4-related disorder. Also called: KRT4-related condition.

Allele frequency attached by ClinVar (database versions not stated): ExAC 0.21448; 1000 Genomes Project 0.26997; gnomAD 0.27853 and 0.28838; 1000 Genomes Project 30x 0.28045; TOPMed 0.28949; ESP Exome Variant Server 0.29980.

Submissions (4):

GeneDx
Classification: Benign. Last evaluated: 2021-05-04. Review status: criteria provided, single submitter. Criteria: GeneDx Variant Classification Process June 2021. Collection method: clinical testing. Allele origin: germline. Affected: yes.

Illumina Laboratory Services, Illumina
Classification: Benign for White sponge nevus 1. Last evaluated: 2018-01-12. Review status: criteria provided, single submitter. Criteria: ICSL Variant Classification Criteria 13 December 2019. Collection method: clinical testing. Allele origin: germline.
Comment: This variant was observed in the ICSL laboratory as part of a predisposition screen in an ostensibly healthy population. It had not been previously curated by ICSL or reported in the Human Gene Mutation Database (HGMD: prior to June 1st, 2018), and was therefore a candidate for classification through an automated scoring system. Utilizing variant allele frequency, disease prevalence and penetrance estimates, and inheritance mode, an automated score was calculated to assess if this variant is too frequent to cause the disease. Based on the score and internal cut-off values, a variant classified as benign is not then subjected to further curation. The score for this variant resulted in a classification of benign for this disease.

Breakthrough Genomics
Classification: Benign. Review status: criteria provided, single submitter. Criteria: ACMG Guidelines, 2015. Collection method: not provided. Allele origin: germline. Inheritance: Autosomal dominant inheritance. Affected: yes.

PreventionGenetics, part of Exact Sciences
Classification: Benign for KRT4-related condition. Last evaluated: 2019-10-29. Review status: no assertion criteria provided. Collection method: clinical testing. Allele origin: germline. Not counted in ClinVar's aggregate classification.
Comment: This variant is classified as benign based on ACMG/AMP sequence variant interpretation guidelines (Richards et al. 2015 PMID: 25741868, with internal and published modifications).